The following is an entry in ClinVar:

ClinVar aggregate classification (germline): Uncertain significance (1 of 4 stars; one submission).

Conditions:
Tietz syndrome (TADS). Also called: HYPOPIGMENTATION/DEAFNESS OF TIETZ; TIETZ ALBINISM-DEAFNESS SYNDROME; ALBINISM-DEAFNESS OF TIETZ. Identifiers: Orphanet 42665, MedGen C0391816, MONDO:0007077, OMIM 103500.
Waardenburg syndrome type 2A (WS2A). Also called: WAARDENBURG SYNDROME WITHOUT DYSTOPIA CANTHORUM. Identifiers: Orphanet 3440, MedGen C1860339, MONDO:0008671, OMIM 193510.
Melanoma, cutaneous malignant, susceptibility to, 8. Also called: MELANOMA AND RENAL CELL CARCINOMA, SUSCEPTIBILITY TO; Cutaneous malignant melanoma 8. Identifiers: Orphanet 293822, MedGen C3152204, MONDO:0013759, OMIM 614456.

Submission:

Labcorp Genetics (formerly Invitae), Labcorp
Classification: Uncertain significance for Melanoma, cutaneous malignant, susceptibility to, 8; Waardenburg syndrome type 2A; Tietz syndrome. Last evaluated: 2024-06-12. Review status: criteria provided, single submitter. Criteria: Invitae Variant Classification Sherloc (09022015). Collection method: clinical testing. Allele origin: germline.
Comment: This sequence change replaces serine, which is neutral and polar, with threonine, which is neutral and polar, at codon 109 of the MITF protein (p.Ser109Thr). This variant is not present in population databases (gnomAD no frequency). This variant has not been reported in the literature in individuals affected with MITF-related conditions. An algorithm developed to predict the effect of missense changes on protein structure and function (PolyPhen-2) suggests that this variant is likely to be tolerated. In summary, the available evidence is currently insufficient to determine the role of this variant in disease. Therefore, it has been classified as a Variant of Uncertain Significance.

NM_001354604.2(MITF):c.646T>A (p.Ser216Thr)

Gene: MITF (melanocyte inducing transcription factor; plus strand). Cytogenetic location: 3p13.
Variant type: single nucleotide variant.
Coding change: c.646T>A on transcript NM_001354604.2 (MANE Select); coding-DNA position 646, T replaced by A.
Protein change: p.Ser216Thr; replaces serine 216 with threonine.
Molecular consequence: missense variant.
Genome position (GRCh38, 1-based): chr3:69,939,161, T>A. VCF-style: chr3-69939161-T-A. GRCh37 (hg19) VCF-style: chr3-69988312-T-A.
Other names: c.325T>A, p.Ser109Thr (NM_000248.4, NM_198158.3); c.643T>A, p.Ser215Thr (NM_006722.3, NM_001354605.2, NM_001354606.2); c.490T>A, p.Ser164Thr (NM_001184967.2, NM_001354608.2); c.595T>A, p.Ser199Thr (NM_001354607.2); c.646T>A, p.Ser216Thr (NM_198159.3); c.598T>A, p.Ser200Thr (NM_198177.3); c.157T>A, p.Ser53Thr (NM_198178.3); short protein forms S109T, S164T, S199T, S200T, S215T, S216T, S53T.
Identifiers: ClinVar variation 3756787 (VCV003756787.2).
Genomic context (GRCh38, chr3:69,939,161, plus strand): 5'-TTTTATAAGTTTGAAGAGCAAAACAGGGCAGAGAGCGAGTGCCCAGGCATGAACACACAT[T>A]CACGAGCGTCCTGTATGCAGGTACTGAATGACTTGGCAGCCTGAGGATGAACACTTTGTA-3'
Protein context (NP_001341533.1, residues 206-226): ESECPGMNTH[Ser216Thr]RASCMQMDDV